The following is an entry in ClinVar:

ClinVar aggregate classification (germline): Conflicting classifications of pathogenicity. Review status: criteria provided, conflicting classifications (1 of 4 stars). 5 submissions from 5 submitters: Uncertain significance (3); Likely benign (1). 1 of the submissions does not count toward it. Last evaluated 2025-11-17.

Conditions:
Autosomal recessive limb-girdle muscular dystrophy. Identifiers: Orphanet 102015, MedGen C2931907, MONDO:0015152.
Neuromuscular disease caused by qualitative or quantitative defects of dysferlin. Also called: Dysferlinopathy; Qualitative or quantitative defects of dysferlin. Identifiers: Orphanet 207073, MedGen C2931687, MONDO:0016145.
Autosomal recessive limb-girdle muscular dystrophy type 2B (LGMDR2). Also called: MUSCULAR DYSTROPHY, LIMB-GIRDLE, TYPE 3; Limb-Girdle Muscular Dystrophy Type 2B (LGMD2B); MUSCULAR DYSTROPHY, LIMB-GIRDLE, AUTOSOMAL RECESSIVE 2; Limb-girdle muscular dystrophy, type 2B. Identifiers: Orphanet 268, MedGen C1850889, MONDO:0009676, OMIM 253601.

Allele frequency attached by ClinVar (database versions not stated): gnomAD 0.00006 and 0.00007; gnomAD exomes 0.00006; ExAC 0.00007; TOPMed 0.00009; ESP Exome Variant Server 0.00015; 1000 Genomes Project 0.00060; 1000 Genomes Project 30x 0.00078.
gnomAD v4.1: 48 of 1,613,630 alleles (0.003%); highest among the groups gnomAD compares: African/African-American, 0.025%; no homozygotes.

Submissions (5):

Labcorp Genetics (formerly Invitae), Labcorp
Classification: Likely benign for Neuromuscular disease caused by qualitative or quantitative defects of dysferlin. Last evaluated: 2025-11-17. Review status: criteria provided, single submitter. Criteria: Invitae Variant Classification Sherloc (09022015). Collection method: clinical testing. Allele origin: germline.

Myriad Genetics, Inc.
Classification: Uncertain significance for Autosomal recessive limb-girdle muscular dystrophy. Last evaluated: 2025-09-18. Review status: criteria provided, single submitter. Criteria: Myriad Autosomal Dominant, Autosomal Recessive and X-Linked Classification Criteria (2023). Collection method: clinical testing. Allele origin: unknown.
Comment: NM_003494.3(DYSF):c.1274C>T(A425V) is a missense variant classified as a variant of uncertain significance in the context of dysferlinopathy. A425V has not been observed in cases with relevant disease. Relevant functional assessments of this variant are not available in the literature. A425V has been observed in referenced population frequency databases. In summary, there is insufficient evidence to classify NM_003494.3(DYSF):c.1274C>T(A425V) as pathogenic or benign. Please note: this variant was assessed in the context of healthy population screening.

Revvity Omics, Revvity
Classification: Uncertain significance. Last evaluated: 2024-04-29. Review status: criteria provided, single submitter. Criteria: ACMG Guidelines, 2015. Collection method: clinical testing. Allele origin: germline.

Illumina Laboratory Services, Illumina
Classification: Uncertain significance for Qualitative or quantitative defects of dysferlin. Last evaluated: 2018-01-12. Review status: criteria provided, single submitter. Criteria: ICSL Variant Classification Criteria 13 December 2019. Collection method: clinical testing. Allele origin: germline.

Natera, Inc.
Classification: Uncertain significance for Limb-girdle muscular dystrophy type 2B. Last evaluated: 2020-03-17. Review status: no assertion criteria provided. Collection method: clinical testing. Allele origin: germline. Not counted in ClinVar's aggregate classification.

NM_001130987.2(DYSF):c.1370C>T (p.Ala457Val)

Gene: DYSF (dysferlin; plus strand). Cytogenetic location: 2p13.2.
Variant type: single nucleotide variant.
Coding change: c.1370C>T on transcript NM_001130987.2 (MANE Select); coding-DNA position 1370, C replaced by T.
Protein change: p.Ala457Val; replaces alanine 457 with valine.
Molecular consequence: missense variant.
Genome position (GRCh38, 1-based): chr2:71,528,391, C>T. VCF-style: chr2-71528391-C-T. GRCh37 (hg19) VCF-style: chr2-71755521-C-T.
Other names: c.1277C>T, p.Ala426Val (NM_001130455.2, NM_001130983.2, NM_001130984.2 and 1 more transcripts); c.1274C>T, p.Ala425Val (NM_001130976.2, NM_001130977.2, NM_001130978.2 and 1 more transcripts); c.1367C>T, p.Ala456Val (NM_001130979.2, NM_001130980.2, NM_001130981.2); c.1370C>T, p.Ala457Val (NM_001130982.2, NM_001130985.2); short protein forms A457V, A425V, A456V, A426V.
Identifiers: ClinVar variation 336950 (VCV000336950.14), dbSNP rs146588926, ClinGen allele CA1705708.